The following is an entry in ClinVar:

ClinVar aggregate classification (germline): Likely benign. Review status: criteria provided, multiple submitters, no conflicts (2 of 4 stars). 6 submissions from 6 submitters: Likely benign (6). Last evaluated 2026-08-01.

Conditions:
Familial thoracic aortic aneurysm and aortic dissection (TAAD). Also called: Thoracic aortic aneurysms and dissections. Identifiers: Orphanet 91387, MedGen C4707243, MONDO:0019625.
Loeys-Dietz syndrome (LDS). Identifiers: Orphanet 60030, MedGen C2697932, MONDO:0018954.

Allele frequency attached by ClinVar (database versions not stated): gnomAD exomes 0.00001 and 0.00002; ExAC 0.00002; TOPMed 0.00002; gnomAD 0.00003; ESP Exome Variant Server 0.00008.
gnomAD v4.1: 14 of 1,613,920 alleles (0.00087%); highest among the groups gnomAD compares: African/African-American, 0.0053%; no homozygotes.

Submissions (6):

CeGaT Center for Human Genetics Tuebingen
Classification: Likely benign. Last evaluated: 2026-08-01. Review status: criteria provided, single submitter. Criteria: CeGaT Center For Human Genetics Tuebingen Variant Classification Criteria Version 2. Collection method: clinical testing. Allele origin: germline. Affected: yes. Observed: 1 variant allele.
Comment: TGFBR1: BP4, BP7

Labcorp Genetics (formerly Invitae), Labcorp
Classification: Likely benign for Familial thoracic aortic aneurysm and aortic dissection. Last evaluated: 2025-10-11. Review status: criteria provided, single submitter. Criteria: Invitae Variant Classification Sherloc (09022015). Collection method: clinical testing. Allele origin: germline.

All of Us Research Program, National Institutes of Health
Classification: Likely benign for Loeys-Dietz syndrome. Last evaluated: 2024-02-05. Review status: criteria provided, single submitter. Criteria: ACMG Guidelines, 2015. Collection method: clinical testing. Allele origin: germline. Inheritance: Autosomal dominant inheritance. Observed: 4 variant alleles, 4 heterozygotes.
Comment: This study involves interpretation of variants in research participants for the purpose of population health screening. Participant phenotype was not available at the time of variant classification. Additional details can be found in publication PMID: 35346344, PMCID: PMC8962531

Ambry Genetics
Classification: Likely benign for Familial thoracic aortic aneurysm and aortic dissection. Last evaluated: 2022-10-17. Review status: criteria provided, single submitter. Criteria: Ambry Variant Classification Scheme 2023. Collection method: clinical testing. Allele origin: germline.

Women's Health and Genetics/Laboratory Corporation of America, LabCorp
Classification: Likely benign. Last evaluated: 2019-08-29. Review status: criteria provided, single submitter. Criteria: LabCorp Variant Classification Summary - May 2015. Collection method: clinical testing. Allele origin: germline.

Color Diagnostics, LLC DBA Color Health
Classification: Likely benign for Familial thoracic aortic aneurysm and aortic dissection. Last evaluated: 2018-11-27. Review status: criteria provided, single submitter. Criteria: ACMG Guidelines, 2015. Collection method: clinical testing. Allele origin: germline.

NM_004612.4(TGFBR1):c.930G>A (p.Ala310=)

Gene: TGFBR1 (transforming growth factor beta receptor 1; plus strand). Cytogenetic location: 9q22.33.
Variant type: single nucleotide variant.
Coding change: c.930G>A on transcript NM_004612.4 (MANE Select); coding-DNA position 930, G replaced by A.
Protein change: p.Ala310=; no amino-acid change (alanine 310 retained).
Molecular consequence: synonymous variant.
Genome position (GRCh38, 1-based): chr9:99,142,660, G>A. VCF-style: chr9-99142660-G-A. GRCh37 (hg19) VCF-style: chr9-101904942-G-A.
Other names: c.699G>A, p.Ala233= (NM_001130916.3); c.942G>A, p.Ala314= (NM_001306210.2).
Identifiers: ClinVar variation 496265 (VCV000496265.16), dbSNP rs139090459, ClinGen allele CA043414.